The following is an entry in ClinVar:

NC_000015.10:g.84817283C>T

Gene: ALPK3 (alpha kinase 3; plus strand). Cytogenetic location: 15q25.3.
Variant type: single nucleotide variant.
Genome position: GRCh38 VCF-style: chr15-84817283-C-T. GRCh37 (hg19) VCF-style: chr15-85360514-C-T.
Other names: short protein forms P146L.
Identifiers: ClinVar variation 1740142 (VCV001740142.5), dbSNP rs867053742, ClinGen allele CA393368907.

ClinVar aggregate classification (germline): Uncertain significance. Review status: criteria provided, multiple submitters, no conflicts (2 of 4 stars). 2 submissions from 2 submitters: Uncertain significance (2). Last evaluated 2023-10-16.

Conditions:
Cardiovascular phenotype. Identifiers: MedGen CN230736.

Submissions (2):

Labcorp Genetics (formerly Invitae), Labcorp
Classification: Uncertain significance. Last evaluated: 2023-10-16. Review status: criteria provided, single submitter. Criteria: Invitae Variant Classification Sherloc (09022015). Collection method: clinical testing. Allele origin: germline.
Comment: This sequence change replaces proline, which is neutral and non-polar, with leucine, which is neutral and non-polar, at codon 146 of the ALPK3 protein (p.Pro146Leu). This variant is not present in population databases (gnomAD no frequency). This variant has not been reported in the literature in individuals affected with ALPK3-related conditions. ClinVar contains an entry for this variant (Variation ID: 1740142). An algorithm developed to predict the effect of missense changes on protein structure and function (PolyPhen-2) suggests that this variant is likely to be tolerated. In summary, the available evidence is currently insufficient to determine the role of this variant in disease. Therefore, it has been classified as a Variant of Uncertain Significance.

Ambry Genetics
Classification: Uncertain significance for Cardiovascular phenotype. Last evaluated: 2020-01-21. Review status: criteria provided, single submitter. Criteria: Ambry Variant Classification Scheme 2023. Collection method: clinical testing. Allele origin: germline.
Comment: The p.P146L variant (also known as c.437C>T), located in coding exon 1 of the ALPK3 gene, results from a C to T substitution at nucleotide position 437. The proline at codon 146 is replaced by leucine, an amino acid with similar properties. This amino acid position is conserved on limited sequence alignment. In addition, this alteration is predicted to be tolerated by in silico analysis. Since supporting evidence is limited at this time, the clinical significance of this alteration remains unclear.